The following is an entry in ClinVar:

ClinVar aggregate classification (germline): Pathogenic (1 of 4 stars; one submission).

Submission:

GeneDx
Classification: Pathogenic. Last evaluated: 2015-10-15. Review status: criteria provided, single submitter. Criteria: GeneDx Variant Classification (06012015). Collection method: clinical testing. Allele origin: germline. Affected: yes.
Comment: The L818X pathogenic variant in the PTCH1 gene has not been reported previously as a pathogenic variant nor as a benign variant, to our knowledge. However, a nonsense pathogenic variant of a different nucleotide change (c.2453T>A) at the same position resulting in the same codon change (L818X) as well as a nonsense pathogenic variant in neighboring codon (Q816X) have been reported in the Human Gene Mutation Database in association with nevoid basal cell carcinoma syndrome (Stenson et al., 2014). This variant is predicted to cause loss of normal protein function either through protein truncation or nonsense-mediated mRNA decay. The L818X variant was not observed in approximately 6500 individuals of European and African American ancestry in the NHLBI Exome Sequencing Project, indicating it is not a common benign variant in these populations. We interpret L818X as a pathogenic variant.

NM_000264.5(PTCH1):c.2453T>G (p.Leu818Ter)

Genes: PTCH1 (patched 1; minus strand), LOC100507346 (uncharacterized LOC100507346; plus strand). Cytogenetic location: 9q22.32.
Variant type: single nucleotide variant.
Coding change: c.2453T>G on transcript NM_000264.5 (MANE Select); coding-DNA position 2453, T replaced by G.
Protein change: p.Leu818Ter; replaces leucine 818 with a stop codon.
Molecular consequence: nonsense. On other transcripts: non-coding transcript variant (1).
Genome position (GRCh38, 1-based): chr9:95,467,223, A>C on the plus strand (T>G on the coding strand, the complement: PTCH1 is on the minus strand). VCF-style: chr9-95467223-A-C. GRCh37 (hg19) VCF-style: chr9-98229505-A-C.
Other names: c.2255T>G, p.Leu752Ter (NM_001083602.3); c.2450T>G, p.Leu817Ter (NM_001083603.3); c.2000T>G, p.Leu667Ter (NM_001083604.3, NM_001083605.3, NM_001083606.3 and 1 more transcripts); c.2297T>G, p.Leu766Ter (NM_001354918.2); short protein forms L752*, L818*, L667*, L766*, L817*.
Identifiers: ClinVar variation 429843 (VCV000429843.2), dbSNP rs1131691630, ClinGen allele CA374114113.
Genomic context (GRCh38, chr9:95,467,223, plus strand): 5'-TTGTTTTCTTCCAACATGACATACTTCACGTTACTGAAACTCCTGTGTAGGTCGTAAAGT[A>C]AGTGCTGGATATTCGGGTAGTCTGCTTTCTGGGTGACTATATACATGTTGTAGAAAGAAA-3'